The following is an entry in ClinVar:

NM_173076.3(ABCA12):c.4412A>G (p.His1471Arg)

Gene: ABCA12 (ATP binding cassette subfamily A member 12; minus strand). Cytogenetic location: 2q35.
Variant type: single nucleotide variant.
Coding change: c.4412A>G on transcript NM_173076.3 (MANE Select); coding-DNA position 4412, A replaced by G.
Protein change: p.His1471Arg; replaces histidine 1471 with arginine.
Molecular consequence: missense variant. On other transcripts: non-coding transcript variant (1).
Genome position (GRCh38, 1-based): chr2:214,982,354, T>C on the plus strand (A>G on the coding strand, the complement: ABCA12 is on the minus strand). VCF-style: chr2-214982354-T-C. GRCh37 (hg19) VCF-style: chr2-215847078-T-C.
Other names: c.3458A>G, p.His1153Arg (NM_015657.4); short protein forms H1153R, H1471R.
Identifiers: ClinVar variation 2581444 (VCV002581444.3), dbSNP rs144220620, ClinGen allele CA2091475.

ClinVar aggregate classification (germline): Uncertain significance. Review status: criteria provided, multiple submitters, no conflicts (2 of 4 stars). 2 submissions from 2 submitters: Uncertain significance (2). Last evaluated 2024-10-28.

Allele frequency attached by ClinVar (database versions not stated): ExAC 0.00001; gnomAD exomes 0.00001; gnomAD 0.00002; TOPMed 0.00002; ESP Exome Variant Server 0.00008.
gnomAD v4.1: 11 of 1,613,932 alleles (0.00068%); highest among the groups gnomAD compares: African/African-American, 0.0027%; no homozygotes.

Submissions (2):

Labcorp Genetics (formerly Invitae), Labcorp
Classification: Uncertain significance. Last evaluated: 2024-10-28. Review status: criteria provided, single submitter. Criteria: Invitae Variant Classification Sherloc (09022015). Collection method: clinical testing. Allele origin: germline.
Comment: This sequence change replaces histidine, which is basic and polar, with arginine, which is basic and polar, at codon 1471 of the ABCA12 protein (p.His1471Arg). This variant is present in population databases (rs144220620, gnomAD 0.004%). This missense change has been observed in individual(s) with congenital ichthyosis (PMID: 36980989). ClinVar contains an entry for this variant (Variation ID: 2581444). Invitae Evidence Modeling of protein sequence and biophysical properties (such as structural, functional, and spatial information, amino acid conservation, physicochemical variation, residue mobility, and thermodynamic stability) has been performed for this missense variant. However, the output from this modeling did not meet the statistical confidence thresholds required to predict the impact of this variant on ABCA12 protein function. In summary, the available evidence is currently insufficient to determine the role of this variant in disease. Therefore, it has been classified as a Variant of Uncertain Significance.

Women's Health and Genetics/Laboratory Corporation of America, LabCorp
Classification: Uncertain significance. Last evaluated: 2023-08-29. Review status: criteria provided, single submitter. Criteria: LabCorp Variant Classification Summary - May 2015. Collection method: clinical testing. Allele origin: germline.

Literature cited by the submitters: PubMed 36980989 (cited by Labcorp Genetics (formerly Invitae), Labcorp).